The following is an entry in ClinVar:

ClinVar aggregate classification (germline): Benign. Review status: criteria provided, multiple submitters, no conflicts (2 of 4 stars). 2 submissions from 2 submitters: Benign (2). Last evaluated 2018-01-13.

Conditions:
Disorders of Intracellular Cobalamin Metabolism. Identifiers: MedGen CN043592.

Allele frequency attached by ClinVar (database versions not stated): 1000 Genomes Project 0.03894; TOPMed 0.07402; gnomAD exomes 0.03571; 1000 Genomes Project 30x 0.03888; gnomAD 0.10293 and 0.10365.

Submissions (2):

Illumina Laboratory Services, Illumina
Classification: Benign for Disorders of Intracellular Cobalamin Metabolism. Last evaluated: 2018-01-13. Review status: criteria provided, single submitter. Criteria: ICSL Variant Classification Criteria 13 December 2019. Collection method: clinical testing. Allele origin: germline.
Comment: This variant was observed in the ICSL laboratory as part of a predisposition screen in an ostensibly healthy population. It had not been previously curated by ICSL or reported in the Human Gene Mutation Database (HGMD: prior to June 1st, 2018), and was therefore a candidate for classification through an automated scoring system. Utilizing variant allele frequency, disease prevalence and penetrance estimates, and inheritance mode, an automated score was calculated to assess if this variant is too frequent to cause the disease. Based on the score and internal cut-off values, a variant classified as benign is not then subjected to further curation. The score for this variant resulted in a classification of benign for this disease.

Breakthrough Genomics
Classification: Benign. Review status: criteria provided, single submitter. Criteria: ACMG Guidelines, 2015. Collection method: not provided. Allele origin: germline. Inheritance: Autosomal recessive inheritance. Affected: yes.

NM_015506.3(MMACHC):c.*1362G>A

Gene: MMACHC (metabolism of cobalamin associated C; plus strand). Cytogenetic location: 1p34.1.
Variant type: single nucleotide variant.
Coding change: c.*1362G>A on transcript NM_015506.3 (MANE Select); 1362 bases downstream of the stop codon, G replaced by A.
Molecular consequence: 3 prime UTR variant.
Genome position (GRCh38, 1-based): chr1:45,510,577, G>A. VCF-style: chr1-45510577-G-A. GRCh37 (hg19) VCF-style: chr1-45976249-G-A.
Other names: c.*1362G>A (NM_001330540.2).
Identifiers: ClinVar variation 297524 (VCV000297524.6), dbSNP rs12728919, ClinGen allele CA10610360.